The following is an entry in ClinVar:

ClinVar aggregate classification (germline): Pathogenic. Review status: criteria provided, multiple submitters, no conflicts (2 of 4 stars). 2 submissions from 2 submitters: Pathogenic (2). Last evaluated 2025-12-11.

Conditions:
Polyglandular autoimmune syndrome, type 1 (APS1). Also called: AUTOIMMUNE POLYENDOCRINE SYNDROME, TYPE I, WITH OR WITHOUT REVERSIBLE METAPHYSEAL DYSPLASIA; Autoimmune polyendocrinopathy syndrome, type I; PGA I; Autoimmune polyendocrinopathy syndrome , type I, with or without reversible metaphyseal dysplasia; Autoimmune polyendocrine syndrome type 1; APS I. Identifiers: Orphanet 3453, MedGen C0085859, MONDO:0009411, OMIM 240300.

Submissions (2):

Labcorp Genetics (formerly Invitae), Labcorp
Classification: Pathogenic for Polyglandular autoimmune syndrome, type 1. Last evaluated: 2025-12-11. Review status: criteria provided, single submitter. Criteria: Invitae Variant Classification Sherloc (09022015). Collection method: clinical testing. Allele origin: germline.
Comment: This sequence change creates a premature translational stop signal (p.Ala117Profs*30) in the AIRE gene. It is expected to result in an absent or disrupted protein product. Loss-of-function variants in AIRE are known to be pathogenic (PMID: 11524731, 26141571). This variant is not present in population databases (gnomAD no frequency). This variant has not been reported in the literature in individuals affected with AIRE-related conditions. ClinVar contains an entry for this variant (Variation ID: 2664758). For these reasons, this variant has been classified as Pathogenic.

Genetics and Molecular Pathology, SA Pathology
Classification: Pathogenic for Polyglandular autoimmune syndrome, type 1. Last evaluated: 2022-12-20. Review status: criteria provided, single submitter. Criteria: ACMG Guidelines, 2015. Collection method: clinical testing. Allele origin: germline. Affected: yes.
Comment: The AIRE c.349del variant is classified as Pathogenic (PVS1, PM2, PM3_supporting) The gene AIRE c.349del variant is located in exon 3/14 and is predicted to cause a shift in the reading frame at codon 117, introducing a premature termination codon 30 amino acids downstream (PVS1). This variant is absent from population databases (PM2). This variant has not been reported in dbSNP, ClinVar or HGMD.

Literature cited by the submitters: PubMed 11524731 (cited by Labcorp Genetics (formerly Invitae), Labcorp); PubMed 26141571 (cited by Labcorp Genetics (formerly Invitae), Labcorp).

NM_000383.4(AIRE):c.349del (p.Ala117fs)

Gene: AIRE (autoimmune regulator; plus strand). Cytogenetic location: 21q22.3.
Variant type: Deletion.
Coding change: c.349del on transcript NM_000383.4 (MANE Select); coding-DNA position 349, one base deleted (G; older notation c.349delG).
Protein change: p.Ala117fs; shifts the reading frame from alanine 117.
Molecular consequence: frameshift variant.
Genome position (GRCh38, 1-based): chr21:44,287,019, G deleted; the last of 2 consecutive G bases (chr21:44,287,018-44,287,019); deleting either gives the same sequence. VCF-style (leftmost placement, unchanged base first): chr21-44287017-CG-C. GRCh37 (hg19) VCF-style: chr21-45706900-CG-C.
Other names: c.349delG (NM_000383.4); short protein forms A117fs.
Identifiers: ClinVar variation 2664758 (VCV002664758.4), dbSNP rs2517876891, ClinGen allele CA2573332376.